The following is an entry in ClinVar:

ClinVar aggregate classification (germline): Uncertain significance (1 of 4 stars; one submission).

Submission:

GeneDx
Classification: Uncertain significance. Last evaluated: 2024-07-19. Review status: criteria provided, single submitter. Criteria: GeneDx Variant Classification Process June 2021. Collection method: clinical testing. Allele origin: germline. Affected: yes.
Comment: Not observed at significant frequency in large population cohorts (gnomAD); In silico analysis supports that this missense variant has a deleterious effect on protein structure/function; Has not been previously published as pathogenic or benign to our knowledge

NM_001318510.2(ACSL4):c.1129C>T (p.Pro377Ser)

Gene: ACSL4 (acyl-CoA synthetase long chain family member 4; minus strand). Cytogenetic location: Xq23.
Variant type: single nucleotide variant.
Coding change: c.1129C>T on transcript NM_001318510.2 (MANE Select); coding-DNA position 1129, C replaced by T.
Protein change: p.Pro377Ser; replaces proline 377 with serine.
Molecular consequence: missense variant.
Genome position (GRCh38, 1-based): chrX:109,669,047, G>A on the plus strand (C>T on the coding strand, the complement: ACSL4 is on the minus strand). VCF-style: chrX-109669047-G-A. GRCh37 (hg19) VCF-style: chrX-108912276-G-A.
Other names: c.1252C>T, p.Pro418Ser (NM_001318509.2, NM_022977.3); c.1129C>T, p.Pro377Ser (NM_004458.3); short protein forms P377S, P418S.
Identifiers: ClinVar variation 3573913 (VCV003573913.1).
Genomic context (GRCh38, chrX:109,669,047, plus strand): 5'-AAAAAAATTTAAAGGCTCAAACCACAGAGCCTATGAAATGTACTTACAGATTGCAAAGAG[G>A]TGCATCATATCCCTTTTTGATCTGTTCCAATTTGTAATCATACCCTATCTTGAACAGAGT-3'
Protein context (NP_001305439.1, residues 367-387): LEQIKKGYDA[Pro377Ser]LCNLLLFKKV